The following is an entry in ClinVar:

ClinVar aggregate classification (germline): Uncertain significance. Review status: criteria provided, multiple submitters, no conflicts (2 of 4 stars). 2 submissions from 2 submitters: Uncertain significance (2). Last evaluated 2025-03-01.

Submissions (2):

CeGaT Center for Human Genetics Tuebingen
Classification: Uncertain significance. Last evaluated: 2025-03-01. Review status: criteria provided, single submitter. Criteria: CeGaT Center For Human Genetics Tuebingen Variant Classification Criteria Version 2. Collection method: clinical testing. Allele origin: germline. Affected: yes. Observed: 2 variant alleles.
Comment: PCARE: PM2, BP4

Blueprint Genetics
Classification: Uncertain significance. Last evaluated: 2024-02-09. Review status: criteria provided, single submitter. Criteria: ACMG Guidelines, 2015. Collection method: clinical testing. Allele origin: germline.

NM_001029883.3(PCARE):c.3223A>G (p.Thr1075Ala)

Gene: PCARE (photoreceptor cilium actin regulator; minus strand). Cytogenetic location: 2p23.2.
Variant type: single nucleotide variant.
Coding change: c.3223A>G on transcript NM_001029883.3 (MANE Select); coding-DNA position 3223, A replaced by G.
Protein change: p.Thr1075Ala; replaces threonine 1075 with alanine.
Molecular consequence: missense variant.
Genome position (GRCh38, 1-based): chr2:29,071,039, T>C on the plus strand (A>G on the coding strand, the complement: PCARE is on the minus strand). VCF-style: chr2-29071039-T-C. GRCh37 (hg19) VCF-style: chr2-29293905-T-C.
Other names: short protein forms T1075A.
Identifiers: ClinVar variation 3257196 (VCV003257196.18).
Genomic context (GRCh38, chr2:29,071,039, plus strand): 5'-GGGACATTGGGGGTGATGGGGAGGGAATCGAGAAAGGGGGGCTTGCTTCTGGGTGCTGGG[T>C]TGGGGGGCTGGGGACCTTGCACTGAGCAGGTGCACTCTCGGGGGGAGGGTTGGGCAACTT-3'
Protein context (NP_001025054.1, residues 1065-1085): PAQCKVPSPP[Thr1075Ala]QHPEASPPFS